The following is an entry in ClinVar:

NM_003820.4(TNFRSF14):c.305-57C>T

Gene: TNFRSF14 (TNF receptor superfamily member 14; plus strand). Cytogenetic location: 1p36.32.
Variant type: single nucleotide variant.
Coding change: c.305-57C>T on transcript NM_003820.4 (MANE Select); 57 bases into the intron before coding-DNA position 305, C replaced by T.
Molecular consequence: intron variant.
Genome position (GRCh38, 1-based): chr1:2,559,766, C>T. VCF-style: chr1-2559766-C-T. GRCh37 (hg19) VCF-style: chr1-2491205-C-T.
Other names: c.305-57C>T (NM_001297605.2).
Identifiers: ClinVar variation 133414 (VCV000133414.1), dbSNP rs2234161, ClinGen allele CA156506.
Genomic context (GRCh38, chr1:2,559,766, plus strand): 5'-GGGTTCAGCCTGGCAGGGCGCCCTGGCAGCAGTCCTTGGCCTGTGGATGCTGTCCTGGCC[C>T]GTGGATGGTGTCCCGGCCTCCACGTACCCCTCTCAGCCCCTCCTCTTGGACTCCAGCCAT-3'

ClinVar aggregate classification (germline): not provided (0 of 4 stars; one submission).

Allele frequency attached by ClinVar (database versions not stated): gnomAD exomes 0.55282; gnomAD 0.58089 and 0.58243; TOPMed 0.58353; 1000 Genomes Project 0.64397; 1000 Genomes Project 30x 0.64553; ExAC 0.65961.
gnomAD v4.1: 809,988 of 1,558,776 alleles (52%); highest among the groups gnomAD compares: African/African-American, 78%; 214,939 homozygotes.

Submission:

ITMI
No classification provided. Condition: AllHighlyPenetrant. Last evaluated: 2013-09-19. Review status: no classification provided. Collection method: reference population. Allele origin: germline.
Comment: Please see associated publication for description of ethnicities

Literature cited by the submitters: PubMed 24728327.